The following is an entry in ClinVar:

ClinVar aggregate classification (germline): Uncertain significance (1 of 4 stars; one submission).

Submission:

Labcorp Genetics (formerly Invitae), Labcorp
Classification: Uncertain significance. Last evaluated: 2025-08-23. Review status: criteria provided, single submitter. Criteria: Invitae Variant Classification Sherloc (09022015). Collection method: clinical testing. Allele origin: germline.
Comment: This sequence change replaces alanine, which is neutral and non-polar, with aspartic acid, which is acidic and polar, at codon 257 of the PCDH12 protein (p.Ala257Asp). This variant is not present in population databases (gnomAD no frequency). This variant has not been reported in the literature in individuals affected with PCDH12-related conditions. Invitae Evidence Modeling of protein sequence and biophysical properties (such as structural, functional, and spatial information, amino acid conservation, physicochemical variation, residue mobility, and thermodynamic stability) indicates that this missense variant is not expected to disrupt PCDH12 protein function with a negative predictive value of 95%. In summary, the available evidence is currently insufficient to determine the role of this variant in disease. Therefore, it has been classified as a Variant of Uncertain Significance.

NM_016580.4(PCDH12):c.770C>A (p.Ala257Asp)

Genes: PCDH12 (protocadherin 12; minus strand), RNF14 (ring finger protein 14; plus strand). Cytogenetic location: 5q31.3.
Variant type: single nucleotide variant.
Coding change: c.770C>A on transcript NM_016580.4 (MANE Select); coding-DNA position 770, C replaced by A.
Protein change: p.Ala257Asp; replaces alanine 257 with aspartic acid.
Molecular consequence: missense variant.
Genome position (GRCh38, 1-based): chr5:141,957,082, G>T on the plus strand (C>A on the coding strand, the complement: PCDH12 is on the minus strand). VCF-style: chr5-141957082-G-T. GRCh37 (hg19) VCF-style: chr5-141336647-G-T.
Other names: short protein forms A257D.
Identifiers: ClinVar variation 4801547 (VCV004801547.1).